The following is an entry in ClinVar:

ClinVar aggregate classification (germline): Pathogenic (0 of 4 stars; one submission).

Conditions:
HOXA2-related disorder. Also called: HOXA2-related condition.

Submission:

PreventionGenetics, part of Exact Sciences
Classification: Pathogenic for HOXA2-related condition. Last evaluated: 2023-11-21. Review status: no assertion criteria provided. Collection method: clinical testing. Allele origin: germline.
Comment: The HOXA2 c.687_691del5 variant is predicted to result in a frameshift and premature protein termination (p.Glu229Aspfs*4). This variant was reported in a patient and mother with microtia and hearing impairment, who also have a family history of these phenotypes segregating in an autosomal dominant fashion (Meddaugh. 2020. PubMed ID: 31567444). This variant has not been reported in a large population database, indicating this variant is rare. Frameshift variants in HOXA2 are expected to be pathogenic. This variant is interpreted as pathogenic.

NM_006735.4(HOXA2):c.687_691del (p.Glu229fs)

Gene: HOXA2 (homeobox A2; minus strand). Cytogenetic location: 7p15.2.
Variant type: Microsatellite.
Coding change: c.687_691del on transcript NM_006735.4 (MANE Select); coding-DNA positions 687 to 691, 5 bases deleted (GAAGA; older notation c.687_691delGAAGA).
Protein change: p.Glu229fs; shifts the reading frame from glutamic acid 229.
Molecular consequence: frameshift variant.
Genome position (GRCh38, 1-based): chr7:27,101,166-27,101,170, TCTTC deleted on the plus strand (GAAGA on the coding strand, the reverse complement: HOXA2 is on the minus strand); deleting any 5 consecutive bases within chr7:27,101,166-27,101,175 gives the same sequence; the c. name uses the placement nearest the transcript's 3' end. VCF-style (leftmost placement, unchanged base first): chr7-27101165-GTCTTC-G. GRCh37 (hg19) VCF-style: chr7-27140784-GTCTTC-G.
Other names: short protein forms E229fs.
Identifiers: ClinVar variation 2632947 (VCV002632947.3), dbSNP rs2534513217, ClinGen allele CA2695198463.
Genomic context (GRCh38, chr7:27,101,165, plus strand): 5'-AAAGTGTAGCCTTCCCTCTCCAGAAGGGCCCCAGAGACGCTAAGGGCTTGCTCAAAGAGC[GTCTTC>G]TCTTCCTCGTCCTCCTCTACTTTCTCGGAGTCCTCAAGGCTTTTACATTTCCCTTCGCTG-3'